The following is an entry in ClinVar:

ClinVar aggregate classification (germline): Benign. Review status: criteria provided, multiple submitters, no conflicts (2 of 4 stars). 3 submissions from 3 submitters: Benign (3). Last evaluated 2026-08-01.

Allele frequency attached by ClinVar (database versions not stated): gnomAD 0.00560; 1000 Genomes Project 0.00719; TOPMed 0.00723; ESP Exome Variant Server 0.00785; 1000 Genomes Project 30x 0.00796.
gnomAD v4.1: 1,877 of 1,613,946 alleles (0.12%); highest among the groups gnomAD compares: African/African-American, 2.2%; 18 homozygotes.

Submissions (3):

CeGaT Center for Human Genetics Tuebingen
Classification: Benign. Last evaluated: 2026-08-01. Review status: criteria provided, single submitter. Criteria: CeGaT Center For Human Genetics Tuebingen Variant Classification Criteria Version 2. Collection method: clinical testing. Allele origin: germline. Affected: yes. Observed: 5 variant alleles.
Comment: GABRA5: BP4, BS1, BS2; GABRB3: BS1, BS2

Labcorp Genetics (formerly Invitae), Labcorp
Classification: Benign. Last evaluated: 2019-12-31. Review status: criteria provided, single submitter. Criteria: Invitae Variant Classification Sherloc (09022015). Collection method: clinical testing. Allele origin: germline.

Breakthrough Genomics
Classification: Benign. Review status: criteria provided, single submitter. Criteria: ACMG Guidelines, 2015. Collection method: not provided. Allele origin: germline. Inheritance: Autosomal dominant inheritance. Affected: yes.

NM_000810.4(GABRA5):c.610G>A (p.Val204Ile)

Genes: GABRA5 (gamma-aminobutyric acid type A receptor subunit alpha5; plus strand), GABRB3 (gamma-aminobutyric acid type A receptor subunit beta3; minus strand). Cytogenetic location: 15q12.
Variant type: single nucleotide variant.
Coding change: c.610G>A on transcript NM_000810.4 (MANE Select); coding-DNA position 610, G replaced by A.
Protein change: p.Val204Ile; replaces valine 204 with isoleucine.
Molecular consequence: missense variant.
Genome position (GRCh38, 1-based): chr15:26,937,214, G>A. VCF-style: chr15-26937214-G-A. GRCh37 (hg19) VCF-style: chr15-27182361-G-A.
Other names: c.610G>A, p.Val204Ile (NM_001165037.2); short protein forms V204I.
Identifiers: ClinVar variation 786628 (VCV000786628.35), dbSNP rs186262515, ClinGen allele CA7437858.